The following is an entry in ClinVar:

NM_001143986.2(TLE6):c.893C>T (p.Thr298Met)

Gene: TLE6 (TLE family member 6, subcortical maternal complex member; plus strand). Cytogenetic location: 19p13.3.
Variant type: single nucleotide variant.
Coding change: c.893C>T on transcript NM_001143986.2 (MANE Select); coding-DNA position 893, C replaced by T.
Protein change: p.Thr298Met; replaces threonine 298 with methionine.
Molecular consequence: missense variant.
Genome position (GRCh38, 1-based): chr19:2,989,213, C>T. VCF-style: chr19-2989213-C-T. GRCh37 (hg19) VCF-style: chr19-2989211-C-T.
Other names: c.524C>T, p.Thr175Met (NM_024760.3); short protein forms T175M, T298M.
Identifiers: ClinVar variation 3239128 (VCV003239128.19), dbSNP rs141406529.
Genomic context (GRCh38, chr19:2,989,213, plus strand): 5'-AAAAGATGCGGATCTTGGCACACGGGGAGCTCGTGCTCGCCACGGCCATCAGCAGCTTCA[C>T]GCGGCACGTGTTCACCTGTGGCAGAAGAGGCATCAAGGTGTGGAGCCTGACTGGACAGGT-3'
Protein context (NP_001137458.1, residues 288-308): LVLATAISSF[Thr298Met]RHVFTCGRRG

ClinVar aggregate classification (germline): Uncertain significance (1 of 4 stars; one submission).

Allele frequency attached by ClinVar (database versions not stated): ExAC 0.00001; gnomAD exomes 0.00002; ESP Exome Variant Server 0.00008; gnomAD 0.00010; TOPMed 0.00011; 1000 Genomes Project 0.00020; 1000 Genomes Project 30x 0.00031.
gnomAD v4.1: 42 of 1,614,146 alleles (0.0026%); highest among the groups gnomAD compares: Admixed American, 0.045%; no homozygotes.

Submission:

CeGaT Center for Human Genetics Tuebingen
Classification: Uncertain significance. Last evaluated: 2024-05-01. Review status: criteria provided, single submitter. Criteria: CeGaT Center For Human Genetics Tuebingen Variant Classification Criteria Version 2. Collection method: clinical testing. Allele origin: germline. Affected: yes. Observed: 1 variant allele.
Comment: TLE6: PM2, BP4